The following is an entry in ClinVar:

ClinVar aggregate classification (germline): Pathogenic. Review status: reviewed by expert panel (3 of 4 stars). 9 submissions from 9 submitters: Pathogenic (1). 8 of the submissions do not count toward it. Last evaluated 2016-09-08.

Conditions:
Hereditary cancer-predisposing syndrome. Also called: Tumor predisposition; Neoplastic Syndromes, Hereditary; Hereditary Cancer Syndrome; Hereditary neoplastic syndrome. Identifiers: Orphanet 140162, MedGen C0027672, MeSH D009386, MONDO:0015356.
Hereditary breast ovarian cancer syndrome. Also called: Hereditary breast and ovarian cancer syndrome (HBOC); Hereditary breast and ovarian cancer syndrome; Hereditary breast and ovarian cancer; Hereditary breast and/or ovarian cancer syndrome; Breast and ovarian cancer; BRCA1- and BRCA2-Associated Hereditary Breast and Ovarian Cancer. Identifiers: Orphanet 145, MedGen C0677776, MeSH D061325, MONDO:0003582. Disease mechanism: loss of function.
Breast-ovarian cancer, familial, susceptibility to, 2 (BROVCA2). Also called: BRCA2 Hereditary Breast and Ovarian Cancer. Identifiers: Orphanet 145, MedGen C2675520, MONDO:0012933, OMIM 612555. Disease mechanism: loss of function.
Breast-ovarian cancer, familial, susceptibility to, 1 (BROVCA1). Also called: OVARIAN CANCER, SUSCEPTIBILITY TO; BRCA1 Hereditary Breast and Ovarian Cancer. Identifiers: Orphanet 145, MedGen C2676676, MONDO:0011450, OMIM 604370. Disease mechanism: loss of function.
Familial cancer of breast. Also called: Hereditary breast cancer; hereditary breast carcinoma; BREAST CANCER, FAMILIAL. Identifiers: Orphanet 227535, MedGen C0346153, MONDO:0016419, OMIM 114480. Disease mechanism: loss of function.

Submissions (9):

Evidence-based Network for the Interpretation of Germline Mutant Alleles (ENIGMA)
Classification: Pathogenic for Breast-ovarian cancer, familial, susceptibility to, 2. Last evaluated: 2016-09-08. Review status: reviewed by expert panel. Criteria: ENIGMA BRCA1/2 Classification Criteria (2015). Collection method: curation. Allele origin: germline.
Comment: Variant allele predicted to encode a truncated non-functional protein.

Ambry Genetics
Classification: Pathogenic for Hereditary cancer-predisposing syndrome. Last evaluated: 2025-07-24. Review status: criteria provided, single submitter. Criteria: Ambry Variant Classification Scheme 2023. Collection method: clinical testing. Allele origin: germline. Not counted in ClinVar's aggregate classification.
Comment: The c.6531_6534delTCAT (p.I2177Mfs*13) alteration, located in exon 11 (coding exon 10) of the BRCA2 gene, consists of a deletion of 4 nucleotides from position 6531 to 6534, causing a translational frameshift with a predicted alternate stop codon after 13 amino acids. This alteration is expected to result in loss of function by premature protein truncation or nonsense-mediated mRNA decay. This variant was not reported in population-based cohorts in the Genome Aggregation Database (gnomAD). This alteration (designated as 6759del4) was reported in a breast cancer family (Litton, 2012). Based on the available evidence, this alteration is classified as pathogenic.

Labcorp Genetics (formerly Invitae), Labcorp
Classification: Pathogenic for Hereditary breast ovarian cancer syndrome. Last evaluated: 2025-04-28. Review status: criteria provided, single submitter. Criteria: Invitae Variant Classification Sherloc (09022015). Collection method: clinical testing. Allele origin: germline. Not counted in ClinVar's aggregate classification.
Comment: This sequence change creates a premature translational stop signal (p.Ile2177Metfs*13) in the BRCA2 gene. It is expected to result in an absent or disrupted protein product. Loss-of-function variants in BRCA2 are known to be pathogenic (PMID: 20104584). This variant is not present in population databases (gnomAD no frequency). This premature translational stop signal has been observed in individual(s) with a personal or family history of breast and/or ovarian cancer (PMID: 21913181, 29446198). This variant is also known as 6759del4. ClinVar contains an entry for this variant (Variation ID: 52122). For these reasons, this variant has been classified as Pathogenic.

GeneDx
Classification: Pathogenic. Last evaluated: 2023-07-20. Review status: criteria provided, single submitter. Criteria: GeneDx Variant Classification Process June 2021. Collection method: clinical testing. Allele origin: germline. Affected: yes. Not counted in ClinVar's aggregate classification.
Comment: Frameshift variant predicted to result in protein truncation or nonsense mediated decay in a gene for which loss of function is a known mechanism of disease; Observed in individuals with a personal or family history consistent with pathogenic variants in this gene (Litton et al., 2012; Rebbeck et al., 2018); Truncating variants in this gene are considered pathogenic by a well-established clinical consortium and/or database; Not observed at significant frequency in large population cohorts (gnomAD); Also known as 6759_6762del; This variant is associated with the following publications: (PMID: 30787465, 30541753, 21913181, 31892343, 29446198, 34022715, 20104584)

Baylor Genetics
Classification: Pathogenic for Familial cancer of breast. Last evaluated: 2022-08-21. Review status: criteria provided, single submitter. Criteria: ACMG Guidelines, 2015. Collection method: clinical testing. Allele origin: unknown. Not counted in ClinVar's aggregate classification.

Department of Molecular Diagnostics, Institute of Oncology Ljubljana
Classification: Pathogenic for Breast-ovarian cancer, familial, susceptibility to, 1. Last evaluated: 2020-04-02. Review status: criteria provided, single submitter. Criteria: ACMG Guidelines, 2015. Collection method: clinical testing. Allele origin: germline. Affected: yes. Not counted in ClinVar's aggregate classification.

Women's Health and Genetics/Laboratory Corporation of America, LabCorp
Classification: Pathogenic for Hereditary breast and ovarian cancer syndrome. Last evaluated: 2019-03-08. Review status: criteria provided, single submitter. Criteria: LabCorp Variant Classification Summary - May 2015. Collection method: clinical testing. Allele origin: germline. Not counted in ClinVar's aggregate classification.
Comment: Variant summary: BRCA2 c.6531_6534delTCAT (p.Ile2177MetfsX13) results in a premature termination codon, predicted to cause a truncation of the encoded protein or absence of the protein due to nonsense mediated decay, which are commonly known mechanisms for disease. Truncations downstream of this position have been classified as pathogenic by our laboratory (eg. c.6566dupA (p.Asn21869fsX8), c.6591_6592delTG (p.Glu2198fsX4), and c.6600_6601delTT (p.Ser2201X)). The variant was absent in 238302 control chromosomes (gnomAD). c.6531_6534delTCAT has been reported in the literature in individuals affected with Hereditary Breast and Ovarian Cancer (Litton_2012, Rebbeck_2018). These data indicate that the variant may be associated with disease. To our knowledge, no experimental evidence demonstrating an impact on protein function has been reported. Five ClinVar submissions from clinical diagnostic laboratories (evaluation after 2014) cite the variant as pathogenic. Based on the evidence outlined above, the variant was classified as pathogenic.

Quest Diagnostics Nichols Institute San Juan Capistrano
Classification: Pathogenic. Last evaluated: 2016-12-14. Review status: criteria provided, single submitter. Criteria: Quest Diagnostics criteria. Collection method: clinical testing. Allele origin: germline. Not counted in ClinVar's aggregate classification.

Consortium of Investigators of Modifiers of BRCA1/2 (CIMBA), c/o University of Cambridge
Classification: Pathogenic for Breast-ovarian cancer, familial, susceptibility to, 2. Last evaluated: 2015-10-02. Review status: criteria provided, single submitter. Criteria: CIMBA Mutation Classification guidelines May 2016. Collection method: clinical testing. Allele origin: germline. Not counted in ClinVar's aggregate classification.

Literature cited by the submitters: PubMed 21913181 (cited by 4 submitters); PubMed 20104584 (cited by Labcorp Genetics (formerly Invitae), Labcorp); PubMed 29446198 (cited by Labcorp Genetics (formerly Invitae), Labcorp and Women's Health and Genetics/Laboratory Corporation of America, LabCorp).

NM_000059.4(BRCA2):c.6531_6534del (p.Ile2177fs)

Gene: BRCA2 (BRCA2 DNA repair associated; plus strand). Cytogenetic location: 13q13.1.
Variant type: Deletion.
Coding change: c.6531_6534del on transcript NM_000059.4 (MANE Select); coding-DNA positions 6531 to 6534, 4 bases deleted (TCAT; older notation c.6531_6534delTCAT).
Protein change: p.Ile2177fs; shifts the reading frame from isoleucine 2177.
Molecular consequence: frameshift variant.
Genome position (GRCh38, 1-based): chr13:32,340,886-32,340,889, TCAT deleted; deleting any 4 consecutive bases within chr13:32,340,883-32,340,889 gives the same sequence; the c. name uses the placement nearest the transcript's 3' end. VCF-style (leftmost placement, unchanged base first): chr13-32340882-ACATT-A. GRCh37 (hg19) VCF-style: chr13-32915019-ACATT-A.
Other names: c.6531_6534delTCAT (NM_000059.3).
Identifiers: ClinVar variation 52122 (VCV000052122.23), dbSNP rs397507865, ClinGen allele CA024136.